The following is an entry in ClinVar:

NM_001080418.3(DLGAP3):c.1218C>T (p.Ser406=)

Gene: DLGAP3 (DLG associated protein 3; minus strand). Cytogenetic location: 1p34.3.
Variant type: single nucleotide variant.
Coding change: c.1218C>T on transcript NM_001080418.3 (MANE Select); coding-DNA position 1218, C replaced by T.
Protein change: p.Ser406=; no amino-acid change (serine 406 retained).
Molecular consequence: synonymous variant.
Genome position (GRCh38, 1-based): chr1:34,900,163, G>A on the plus strand (C>T on the coding strand, the complement: DLGAP3 is on the minus strand). VCF-style: chr1-34900163-G-A. GRCh37 (hg19) VCF-style: chr1-35365764-G-A.
Identifiers: ClinVar variation 724007 (VCV000724007.26), dbSNP rs150566254, ClinGen allele CA755787.
Genomic context (GRCh38, chr1:34,900,163, plus strand): 5'-GGTGGTGAAGCGTCGGGCGACTGCTTTGGGAGATGTCTTGGGGCTGCCGTCTGAGTCTCC[G>A]CTCTCCTCATCCCCCATGGCTTTGATGTAGCTGCCGCTCCGCATCCTGCGGCAGGGGATC-3'
Protein context (NP_001073887.1, residues 396-416): SYIKAMGDEE[Ser406=]GDSDGSPKTS

ClinVar aggregate classification (germline): Benign/Likely benign. Review status: criteria provided, multiple submitters, no conflicts (2 of 4 stars). 3 submissions from 3 submitters: Benign (2); Likely benign (1). Last evaluated 2024-01-01.

Allele frequency attached by ClinVar (database versions not stated): gnomAD exomes 0.00069; gnomAD 0.00102 and 0.00106; TOPMed 0.00102; ExAC 0.00109; ESP Exome Variant Server 0.00138.

Submissions (3):

CeGaT Center for Human Genetics Tuebingen
Classification: Likely benign. Last evaluated: 2024-01-01. Review status: criteria provided, single submitter. Criteria: CeGaT Center For Human Genetics Tuebingen Variant Classification Criteria Version 2. Collection method: clinical testing. Allele origin: germline. Affected: yes. Observed: 1 variant allele.
Comment: DLGAP3: BP4, BP7

Labcorp Genetics (formerly Invitae), Labcorp
Classification: Benign. Last evaluated: 2018-11-16. Review status: criteria provided, single submitter. Criteria: Invitae Variant Classification Sherloc (09022015). Collection method: clinical testing. Allele origin: germline.

Breakthrough Genomics
Classification: Benign. Review status: criteria provided, single submitter. Criteria: ACMG Guidelines, 2015. Collection method: not provided. Allele origin: germline. Inheritance: Unknown mechanism. Affected: yes.